The following is an entry in ClinVar:

ClinVar aggregate classification (germline): Pathogenic (1 of 4 stars; one submission).

Conditions:
Hereditary spastic paraplegia 15 (SPG15). Also called: SPASTIC PARAPLEGIA 15, AUTOSOMAL RECESSIVE; KJELLIN SYNDROME; SPASTIC PARAPLEGIA AND RETINAL DEGENERATION. Identifiers: Orphanet 100996, MedGen C1849128, MONDO:0010044, OMIM 270700.

Submission:

Myriad Genetics, Inc.
Classification: Pathogenic for Hereditary spastic paraplegia 15. Last evaluated: 2024-03-21. Review status: criteria provided, single submitter. Criteria: Myriad Autosomal Dominant, Autosomal Recessive and X-Linked Classification Criteria (2023). Collection method: clinical testing. Allele origin: unknown.
Comment: NM_015346.3(ZFYVE26):c.4920delA(Q1641Nfs*2) is expected to be pathogenic in the context of spastic paraplegia type 15. This variant is predicted to lead to an abnormal or absent protein product due to the creation of a premature termination codon in ZFYVE26, a gene where loss-of-function variants are known to be pathogenic. Please note: this variant was assessed in the context of healthy population screening.

NM_015346.4(ZFYVE26):c.4920del (p.Gln1641fs)

Gene: ZFYVE26 (zinc finger FYVE-type containing 26; minus strand). Cytogenetic location: 14q24.1.
Variant type: Deletion.
Coding change: c.4920del on transcript NM_015346.4 (MANE Select); coding-DNA position 4920, one base deleted (A; older notation c.4920delA).
Protein change: p.Gln1641fs; shifts the reading frame from glutamine 1641.
Molecular consequence: frameshift variant.
Genome position (GRCh38, 1-based): chr14:67,777,613, T deleted on the plus strand (A on the coding strand, the reverse complement: ZFYVE26 is on the minus strand). VCF-style (leftmost placement, unchanged base first): chr14-67777612-GT-G. GRCh37 (hg19) VCF-style: chr14-68244329-GT-G.
Other names: short protein forms Q1641fs.
Identifiers: ClinVar variation 5012844 (VCV005012844.1).